The following is an entry in ClinVar:

NM_001006630.2(CHRM2):c.1054C>A (p.Gln352Lys)

Genes: CHRM2 (cholinergic receptor muscarinic 2; plus strand), LOC349160 (uncharacterized LOC349160; minus strand). Cytogenetic location: 7q33.
Variant type: single nucleotide variant.
Coding change: c.1054C>A on transcript NM_001006630.2 (MANE Select); coding-DNA position 1054, C replaced by A.
Protein change: p.Gln352Lys; replaces glutamine 352 with lysine.
Molecular consequence: missense variant.
Genome position (GRCh38, 1-based): chr7:137,015,919, C>A. VCF-style: chr7-137015919-C-A. GRCh37 (hg19) VCF-style: chr7-136700666-C-A.
Other names: c.1054C>A, p.Gln352Lys (NM_000739.3, NM_001006626.3, NM_001006627.3 and 6 more transcripts); short protein forms Q352K.
Identifiers: ClinVar variation 1916759 (VCV001916759.5), dbSNP rs769865494, ClinGen allele CA4500612.

ClinVar aggregate classification (germline): Uncertain significance (1 of 4 stars; one submission).

Allele frequency attached by ClinVar (database versions not stated): gnomAD exomes below 0.00001; ExAC 0.00001.
gnomAD v4.1: 1 of 1,613,034 alleles (0.000062%); highest among the groups gnomAD compares: Admixed American, 0.0017%; no homozygotes.

Submission:

Labcorp Genetics (formerly Invitae), Labcorp
Classification: Uncertain significance. Last evaluated: 2022-10-09. Review status: criteria provided, single submitter. Criteria: Invitae Variant Classification Sherloc (09022015). Collection method: clinical testing. Allele origin: germline.
Comment: This sequence change replaces glutamine, which is neutral and polar, with lysine, which is basic and polar, at codon 352 of the CHRM2 protein (p.Gln352Lys). In summary, the available evidence is currently insufficient to determine the role of this variant in disease. Therefore, it has been classified as a Variant of Uncertain Significance. Algorithms developed to predict the effect of missense changes on protein structure and function (SIFT, PolyPhen-2, Align-GVGD) all suggest that this variant is likely to be tolerated. This variant has not been reported in the literature in individuals affected with CHRM2-related conditions. This variant is present in population databases (rs769865494, gnomAD 0.003%).